The following is an entry in ClinVar:

NM_004725.4(BUB3):c.101C>T (p.Ser34Phe)

Genes: BUB3 (BUB3 mitotic checkpoint protein; plus strand), LOC130004885 (ATAC-STARR-seq lymphoblastoid active region 4151; plus strand). Cytogenetic location: 10q26.13.
Variant type: single nucleotide variant.
Coding change: c.101C>T on transcript NM_004725.4 (MANE Select); coding-DNA position 101, C replaced by T.
Protein change: p.Ser34Phe; replaces serine 34 with phenylalanine.
Molecular consequence: missense variant.
Genome position (GRCh38, 1-based): chr10:123,155,018, C>T. VCF-style: chr10-123155018-C-T. GRCh37 (hg19) VCF-style: chr10-124914534-C-T.
Other names: c.101C>T, p.Ser34Phe (NM_001007793.3); short protein forms S34F.
Identifiers: ClinVar variation 1755024 (VCV001755024.2), dbSNP rs768452215, ClinGen allele CA5731489.

ClinVar aggregate classification (germline): Uncertain significance (1 of 4 stars; one submission).

Allele frequency attached by ClinVar (database versions not stated): ExAC 0.00001; gnomAD exomes 0.00001.
gnomAD v4.1: 18 of 1,614,084 alleles (0.0011%); highest among the groups gnomAD compares: Non-Finnish European, 0.0015%; no homozygotes.

Submission:

Ambry Genetics
Classification: Uncertain significance. Last evaluated: 2024-02-03. Review status: criteria provided, single submitter. Criteria: Ambry Variant Classification Scheme 2023. Collection method: clinical testing. Allele origin: germline.
Comment: The p.S34F variant (also known as c.101C>T), located in coding exon 1 of the BUB3 gene, results from a C to T substitution at nucleotide position 101. The serine at codon 34 is replaced by phenylalanine, an amino acid with highly dissimilar properties. This amino acid position is conserved. In addition, this alteration is predicted to be deleterious by in silico analysis. Since supporting evidence is limited at this time, the clinical significance of this alteration remains unclear.